The following is an entry in ClinVar:

NM_030667.3(PTPRO):c.1975G>T (p.Asp659Tyr)

Gene: PTPRO (protein tyrosine phosphatase receptor type O; plus strand). Cytogenetic location: 12p12.3.
Variant type: single nucleotide variant.
Coding change: c.1975G>T on transcript NM_030667.3 (MANE Select); coding-DNA position 1975, G replaced by T.
Protein change: p.Asp659Tyr; replaces aspartic acid 659 with tyrosine.
Molecular consequence: missense variant.
Genome position (GRCh38, 1-based): chr12:15,524,897, G>T. VCF-style: chr12-15524897-G-T. GRCh37 (hg19) VCF-style: chr12-15677831-G-T.
Other names: c.1975G>T, p.Asp659Tyr (NM_002848.4); short protein forms D659Y.
Identifiers: ClinVar variation 4852701 (VCV004852701.2).
Genomic context (GRCh38, chr12:15,524,897, plus strand): 5'-TCTGTGGAATATTTCAACAGTCTGTTATATATCAGTTGGACATATGGGGATGATACAACG[G>T]ACTTGTCCCATTCTAGAATGCTTCACTGGATGGTGGTTGCAGAAGGAAAAAAGAAAATTA-3'
Protein context (NP_109592.1, residues 649-669): ISWTYGDDTT[Asp659Tyr]LSHSRMLHWM

ClinVar aggregate classification (germline): Uncertain significance (1 of 4 stars; one submission).

Submission:

Dasa
Classification: Uncertain significance. Last evaluated: 2025-12-06. Review status: criteria provided, single submitter. Criteria: DASA Assertion Criteria. Collection method: clinical testing. Allele origin: germline.
Comment: NM_030667.3(PTPRO):c.1975G>T (p.Asp659Tyr) is a missense variant that results in the substitution of aspartic acid with tyrosine. This variant is absent from population databases. The currently available literature and clinical evidence are not sufficient to establish a definitive association between this variant and the reported condition. Therefore, this variant is classified as a variant of uncertain significance.